The following is an entry in ClinVar:

ClinVar aggregate classification (germline): Uncertain significance (1 of 4 stars; one submission).

Conditions:
Hypogonadotropic hypogonadism 9 with or without anosmia (HH9). Also called: HYPOGONADOTROPIC HYPOGONADISM 9 WITHOUT ANOSMIA, SUSCEPTIBILITY TO; HYPOGONADOTROPIC HYPOGONADISM 9 WITH ANOSMIA, SUSCEPTIBILITY TO; NELF-Related Hypogonadotropic Hypogonadism. Identifiers: Orphanet 478, MedGen C3553842, MONDO:0013911, OMIM 614838.

Allele frequency attached by ClinVar (database versions not stated): TOPMed 0.00002; gnomAD exomes 0.00004.
gnomAD v4.1: 64 of 1,612,726 alleles (0.004%); highest among the groups gnomAD compares: South Asian, 0.0077%; no homozygotes.

Submission:

Centre for Mendelian Genomics, University Medical Centre Ljubljana
Classification: Uncertain significance for Hypogonadotropic hypogonadism 9 with or without anosmia. Last evaluated: 2018-12-04. Review status: criteria provided, single submitter. Criteria: ACMG Guidelines, 2015. Collection method: clinical testing. Allele origin: unknown. Affected: yes.
Comment: This variant was classified as: Uncertain significance. The following ACMG criteria were applied in classifying this variant: PM5,PP3.

NM_001130969.3(NSMF):c.586C>T (p.Arg196Cys)

Gene: NSMF (NMDA receptor synaptonuclear signaling and neuronal migration factor; minus strand). Cytogenetic location: 9q34.3.
Variant type: single nucleotide variant.
Coding change: c.586C>T on transcript NM_001130969.3 (MANE Select); coding-DNA position 586, C replaced by T.
Protein change: p.Arg196Cys; replaces arginine 196 with cysteine.
Molecular consequence: missense variant.
Genome position (GRCh38, 1-based): chr9:137,457,449, G>A on the plus strand (C>T on the coding strand, the complement: NSMF is on the minus strand). VCF-style: chr9-137457449-G-A. GRCh37 (hg19) VCF-style: chr9-140351901-G-A.
Other names: c.586C>T, p.Arg196Cys (NM_001130970.2, NM_001130971.2, NM_001178064.2 and 1 more transcripts); short protein forms R196C.
Identifiers: ClinVar variation 931977 (VCV000931977.3), dbSNP rs776491850, ClinGen allele CA5370529.